The following is an entry in ClinVar:

NM_006767.4(LZTR1):c.1883T>C (p.Ile628Thr)

Gene: LZTR1 (leucine zipper like post translational regulator 1; plus strand). Cytogenetic location: 22q11.21.
Variant type: single nucleotide variant.
Coding change: c.1883T>C on transcript NM_006767.4 (MANE Select); coding-DNA position 1883, T replaced by C.
Protein change: p.Ile628Thr; replaces isoleucine 628 with threonine.
Molecular consequence: missense variant.
Genome position (GRCh38, 1-based): chr22:20,994,967, T>C. VCF-style: chr22-20994967-T-C. GRCh37 (hg19) VCF-style: chr22-21349256-T-C.
Other names: short protein forms I628T.
Identifiers: ClinVar variation 1781936 (VCV001781936.8), dbSNP rs974122911, ClinGen allele CA322270119.

ClinVar aggregate classification (germline): Uncertain significance. Review status: criteria provided, multiple submitters, no conflicts (2 of 4 stars). 2 submissions from 2 submitters: Uncertain significance (2). Last evaluated 2025-05-12.

Conditions:
Hereditary cancer-predisposing syndrome. Also called: Neoplastic Syndromes, Hereditary; Tumor predisposition; Hereditary Cancer Syndrome; Hereditary neoplastic syndrome. Identifiers: Orphanet 140162, MedGen C0027672, MeSH D009386, MONDO:0015356.
Cardiovascular phenotype. Identifiers: MedGen CN230736.

Allele frequency attached by ClinVar (database versions not stated): gnomAD exomes below 0.00001.

Submissions (2):

Ambry Genetics
Classification: Uncertain significance for Cardiovascular phenotype; Hereditary cancer-predisposing syndrome. Last evaluated: 2025-05-12. Review status: criteria provided, single submitter. Criteria: Ambry Variant Classification Scheme 2023. Collection method: clinical testing. Allele origin: germline.
Comment: The p.I628T variant (also known as c.1883T>C), located in coding exon 16 of the LZTR1 gene, results from a T to C substitution at nucleotide position 1883. The isoleucine at codon 628 is replaced by threonine, an amino acid with similar properties. This amino acid position is highly conserved in available vertebrate species. In addition, this alteration is predicted to be deleterious by in silico analysis. Based on the available evidence, the clinical significance of this variant remains unclear.

Labcorp Genetics (formerly Invitae), Labcorp
Classification: Uncertain significance. Last evaluated: 2025-02-27. Review status: criteria provided, single submitter. Criteria: Invitae Variant Classification Sherloc (09022015). Collection method: clinical testing. Allele origin: germline.
Comment: This sequence change replaces isoleucine, which is neutral and non-polar, with threonine, which is neutral and polar, at codon 628 of the LZTR1 protein (p.Ile628Thr). This variant is present in population databases (no rsID available, gnomAD 0.003%). This variant has not been reported in the literature in individuals affected with LZTR1-related conditions. ClinVar contains an entry for this variant (Variation ID: 1781936). Invitae Evidence Modeling of protein sequence and biophysical properties (such as structural, functional, and spatial information, amino acid conservation, physicochemical variation, residue mobility, and thermodynamic stability) indicates that this missense variant is not expected to disrupt LZTR1 protein function with a negative predictive value of 80%. In summary, the available evidence is currently insufficient to determine the role of this variant in disease. Therefore, it has been classified as a Variant of Uncertain Significance.